The following is an entry in ClinVar:

NM_182643.3(DLC1):c.2213C>T (p.Thr738Met)

Gene: DLC1 (DLC1 Rho GTPase activating protein; minus strand). Cytogenetic location: 8p22.
Variant type: single nucleotide variant.
Coding change: c.2213C>T on transcript NM_182643.3 (MANE Select); coding-DNA position 2213, C replaced by T.
Protein change: p.Thr738Met; replaces threonine 738 with methionine.
Molecular consequence: missense variant.
Genome position (GRCh38, 1-based): chr8:13,100,124, G>A on the plus strand (C>T on the coding strand, the complement: DLC1 is on the minus strand). VCF-style: chr8-13100124-G-A. GRCh37 (hg19) VCF-style: chr8-12957633-G-A.
Other names: c.680C>T, p.Thr227Met (NM_001164271.2, NM_001348082.2, NM_001348083.1 and 1 more transcripts); c.1004C>T, p.Thr335Met (NM_001316668.2); c.2213C>T, p.Thr738Met (NM_001348081.2); c.902C>T, p.Thr301Met (NM_006094.5); short protein forms T738M, T227M, T335M, T301M.
Identifiers: ClinVar variation 252802 (VCV000252802.12), dbSNP rs149472569, ClinGen allele CA4638683.

ClinVar aggregate classification (germline): Conflicting classifications of pathogenicity. Review status: criteria provided, conflicting classifications (1 of 4 stars). 3 submissions from 3 submitters: Uncertain significance (1); Likely benign (1). 1 of the submissions does not count toward it. Last evaluated 2026-01-27.

Conditions:
DLC1-related disorder. Also called: DLC1-related condition.

Allele frequency attached by ClinVar (database versions not stated): 1000 Genomes Project 0.00040; 1000 Genomes Project 30x 0.00047; gnomAD 0.00074; ExAC 0.00077; TOPMed 0.00077; gnomAD exomes 0.00083 and 0.00128; ESP Exome Variant Server 0.00085.
gnomAD v4.1: 2,011 of 1,614,040 alleles (0.12%); highest among the groups gnomAD compares: Middle Eastern, 0.15%; 8 homozygotes.

Submissions (3):

Labcorp Genetics (formerly Invitae), Labcorp
Classification: Likely benign. Last evaluated: 2026-01-27. Review status: criteria provided, single submitter. Criteria: Invitae Variant Classification Sherloc (09022015). Collection method: clinical testing. Allele origin: germline.

Genomic Diagnostic Laboratory, Division of Genomic Diagnostics, Children's Hospital of Philadelphia
Classification: Uncertain significance. Last evaluated: 2015-10-29. Review status: criteria provided, single submitter. Criteria: DGD Variant Analysis Guidelines. Collection method: clinical testing. Allele origin: unknown.

PreventionGenetics, part of Exact Sciences
Classification: Likely benign for DLC1-related condition. Last evaluated: 2022-03-09. Review status: no assertion criteria provided. Collection method: clinical testing. Allele origin: germline. Not counted in ClinVar's aggregate classification.
Comment: This variant is classified as likely benign based on ACMG/AMP sequence variant interpretation guidelines (Richards et al. 2015 PMID: 25741868, with internal and published modifications).